The following is an entry in ClinVar:

NM_006031.6(PCNT):c.7304A>G (p.His2435Arg)

Gene: PCNT (pericentrin; plus strand). Cytogenetic location: 21q22.3.
Variant type: single nucleotide variant.
Coding change: c.7304A>G on transcript NM_006031.6 (MANE Select); coding-DNA position 7304, A replaced by G.
Protein change: p.His2435Arg; replaces histidine 2435 with arginine.
Molecular consequence: missense variant.
Genome position (GRCh38, 1-based): chr21:46,425,955, A>G. VCF-style: chr21-46425955-A-G. GRCh37 (hg19) VCF-style: chr21-47845869-A-G.
Other names: c.6950A>G, p.His2317Arg (NM_001315529.2); short protein forms H2435R, H2317R.
Identifiers: ClinVar variation 436216 (VCV000436216.18), dbSNP rs373432697, ClinGen allele CA10080603.

ClinVar aggregate classification (germline): Uncertain significance. Review status: criteria provided, multiple submitters, no conflicts (2 of 4 stars). 5 submissions from 5 submitters: Uncertain significance (4). 1 of the submissions does not count toward it. Last evaluated 2025-07-14.

Conditions:
PCNT-related disorder. Also called: PCNT-related condition.
Microcephalic osteodysplastic primordial dwarfism type II (MOPD2). Also called: MOPD II; OSTEODYSPLASTIC PRIMORDIAL DWARFISM, TYPE II; Microcephalic osteodysplastic primordial dwarfism with tooth abnormalities. Identifiers: Orphanet 2637, MedGen C0432246, MONDO:0008872, OMIM 210720.

Allele frequency attached by ClinVar (database versions not stated): TOPMed 0.00002; gnomAD 0.00003; ESP Exome Variant Server 0.00008.
gnomAD v4.1: 107 of 1,613,800 alleles (0.0066%); highest among the groups gnomAD compares: Non-Finnish European, 0.0087%; no homozygotes.

Submissions (5):

Labcorp Genetics (formerly Invitae), Labcorp
Classification: Uncertain significance. Last evaluated: 2025-07-14. Review status: criteria provided, single submitter. Criteria: Invitae Variant Classification Sherloc (09022015). Collection method: clinical testing. Allele origin: germline.
Comment: This sequence change replaces histidine, which is basic and polar, with arginine, which is basic and polar, at codon 2435 of the PCNT protein (p.His2435Arg). This variant is present in population databases (rs373432697, gnomAD 0.02%). This variant has not been reported in the literature in individuals affected with PCNT-related conditions. ClinVar contains an entry for this variant (Variation ID: 436216). An algorithm developed to predict the effect of missense changes on protein structure and function outputs the following: PolyPhen-2: "Benign". The arginine amino acid residue is found in multiple mammalian species, which suggests that this missense change does not adversely affect protein function. In summary, the available evidence is currently insufficient to determine the role of this variant in disease. Therefore, it has been classified as a Variant of Uncertain Significance.

ARUP Laboratories, Molecular Genetics and Genomics, ARUP Laboratories
Classification: Uncertain significance for Microcephalic osteodysplastic primordial dwarfism type II. Last evaluated: 2020-01-24. Review status: criteria provided, single submitter. Criteria: ARUP Molecular Germline Variant Investigation Process. Collection method: clinical testing. Allele origin: germline.
Comment: The PCNT c.7304A>G; p.His2435Arg variant (rs373432697), to our knowledge, is not reported in the medical literature but is reported in ClinVar (Variation ID: 436216). This variant is found in the general population with an overall allele frequency of 0.0085% (24/282728 alleles) in the Genome Aggregation Database. The histidine at codon 2435 is weakly conserved, and computational analyses (SIFT, PolyPhen-2) predict that this variant is tolerated. Furthermore, only truncating variants in PCNT have been associated with disease (Rauch 2008, Willems 2010). Based on available information, this variant is considered to be likely benign. References: Rauch A et al. Mutations in the pericentrin (PCNT) gene cause primordial dwarfism. Science. 2008 Feb 8;319(5864):816-9. Willems M et al. Molecular analysis of pericentrin gene (PCNT) in a series of 24 Seckel/microcephalic osteodysplastic primordial dwarfism type II (MOPD II) families. J Med Genet. 2010 Dec;47(12):797-802.

Fulgent Genetics
Classification: Uncertain significance for Microcephalic osteodysplastic primordial dwarfism type II. Last evaluated: 2018-10-31. Review status: criteria provided, single submitter. Criteria: ACMG Guidelines, 2015. Collection method: clinical testing. Allele origin: unknown.

Genetic Services Laboratory, University of Chicago
Classification: Uncertain significance. Last evaluated: 2016-12-09. Review status: criteria provided, single submitter. Criteria: ACMG Guidelines, 2015. Collection method: clinical testing. Allele origin: germline. Affected: no.

PreventionGenetics, part of Exact Sciences
Classification: Uncertain significance for PCNT-related condition. Last evaluated: 2023-12-29. Review status: no assertion criteria provided. Collection method: clinical testing. Allele origin: germline. Not counted in ClinVar's aggregate classification.
Comment: The PCNT c.7304A>G variant is predicted to result in the amino acid substitution p.His2435Arg. To our knowledge, this variant has not been reported in the literature. This variant is reported in 0.018% of alleles in individuals of European (non-Finnish) descent in gnomAD. At this time, the clinical significance of this variant is uncertain due to the absence of conclusive functional and genetic evidence.